The following is an entry in ClinVar:

ClinVar aggregate classification (germline): Pathogenic (1 of 4 stars; one submission).

Allele frequency attached by ClinVar (database versions not stated): gnomAD exomes below 0.00001; TOPMed below 0.00001; ExAC 0.00001.

Submission:

Labcorp Genetics (formerly Invitae), Labcorp
Classification: Pathogenic. Last evaluated: 2022-07-25. Review status: criteria provided, single submitter. Criteria: Invitae Variant Classification Sherloc (09022015). Collection method: clinical testing. Allele origin: germline.
Comment: For these reasons, this variant has been classified as Pathogenic. This variant disrupts a region of the SLC24A5 protein in which other variant(s) (p.Leu454Phefs*33) have been determined to be pathogenic (PMID: 23364476, 31077556). This suggests that this is a clinically significant region of the protein, and that variants that disrupt it are likely to be disease-causing. This variant has not been reported in the literature in individuals affected with SLC24A5-related conditions. This variant is present in population databases (rs752602941, gnomAD 0.003%). This sequence change creates a premature translational stop signal (p.Tyr440Hisfs*46) in the SLC24A5 gene. While this is not anticipated to result in nonsense mediated decay, it is expected to disrupt the last 61 amino acid(s) of the SLC24A5 protein.

Literature cited by the submitters: PubMed 23364476; PubMed 31077556.

NM_205850.3(SLC24A5):c.1318_1319del (p.Tyr440fs)

Genes: MYEF2 (myelin expression factor 2; minus strand), SLC24A5 (solute carrier family 24 member 5; plus strand). Cytogenetic location: 15q21.1.
Variant type: Deletion.
Coding change: c.1318_1319del on transcript NM_205850.3 (MANE Select); coding-DNA positions 1318 to 1319, 2 bases deleted (TA; older notation c.1318_1319delTA).
Protein change: p.Tyr440fs; shifts the reading frame from tyrosine 440.
Molecular consequence: frameshift variant. On other transcripts: 3 prime UTR variant (2).
Genome position (GRCh38, 1-based): chr15:48,142,166-48,142,167, TA deleted. VCF-style (leftmost placement, unchanged base first): chr15-48142165-TTA-T. GRCh37 (hg19) VCF-style: chr15-48434362-TTA-T.
Other names: c.*741_*742del (NM_001301210.2, NM_016132.5); short protein forms Y440fs.
Identifiers: ClinVar variation 2080274 (VCV002080274.4), dbSNP rs752602941, ClinGen allele CA7546108.
Genomic context (GRCh38, chr15:48,142,165, plus strand): 5'-TATTAAAACTGCATTTATAAATGGATCAGCTCCTGCAGAAGTAAACAGCAGAGGACTAAC[TTA>T]CATAACCATCTCTCTCAACATTTCAATTATTTTTCTTTTTTTAGCAGTTCACTTCAATGG-3'